The following is an entry in ClinVar:

NM_024675.4(PALB2):c.2586+31T>G

Gene: PALB2 (partner and localizer of BRCA2; minus strand). Cytogenetic location: 16p12.2.
Variant type: single nucleotide variant.
Coding change: c.2586+31T>G on transcript NM_024675.4 (MANE Select); 31 bases into the intron after coding-DNA position 2586, T replaced by G.
Molecular consequence: intron variant.
Genome position (GRCh38, 1-based): chr16:23,629,173, A>C on the plus strand (T>G on the coding strand, the complement: PALB2 is on the minus strand). VCF-style: chr16-23629173-A-C. GRCh37 (hg19) VCF-style: chr16-23640494-A-C.
Identifiers: ClinVar variation 126662 (VCV000126662.3), dbSNP rs180177117, ClinGen allele CA269543.
Genomic context (GRCh38, chr16:23,629,173, plus strand): 5'-AGAACAAGAAGCTATATGACTGAATTCTTTTCAGTTCATTAAAGTTTTCATATGTAAGAC[A>C]CGAGACACTGGAAGAGAATATTCTTCTGACCTTTAACTCTGAAACCAATTGTAGGTTGCC-3'

ClinVar aggregate classification (germline): Likely benign (0 of 4 stars; one submission).

Conditions:
Familial cancer of breast. Also called: BREAST CANCER, FAMILIAL; hereditary breast carcinoma; Hereditary breast cancer. Identifiers: Orphanet 227535, MedGen C0346153, MONDO:0016419, OMIM 114480. Disease mechanism: loss of function.

Submission:

Leiden Open Variation Database
Classification: Likely benign for Familial cancer of breast. Last evaluated: 2019-05-13. Review status: no assertion criteria provided. Collection method: curation. Allele origin: germline. Affected: yes.
Comment: Curators: Marc Tischkowitz, Arleen D. Auerbach. Submitter to LOVD: Marc Tischkowitz.

Literature cited by the submitters: PubMed 18302019.